The following is an entry in ClinVar:

ClinVar aggregate classification (germline): Uncertain significance (1 of 4 stars; one submission).

Conditions:
Hereditary cancer-predisposing syndrome. Also called: Neoplastic Syndromes, Hereditary; Tumor predisposition; Hereditary Cancer Syndrome; Hereditary neoplastic syndrome. Identifiers: Orphanet 140162, MedGen C0027672, MeSH D009386, MONDO:0015356.

gnomAD v4.1: 1 of 1,605,664 alleles (0.000062%); no homozygotes.

Submission:

Ambry Genetics
Classification: Uncertain significance for Hereditary cancer-predisposing syndrome. Last evaluated: 2026-03-08. Review status: criteria provided, single submitter. Criteria: Ambry Variant Classification Scheme 2023. Collection method: clinical testing. Allele origin: germline.
Comment: The p.I340M variant (also known as c.1020T>G), located in coding exon 6 of the MSH3 gene, results from a T to G substitution at nucleotide position 1020. The isoleucine at codon 340 is replaced by methionine, an amino acid with highly similar properties. This amino acid position is conserved. In addition, the in silico prediction for this alteration is inconclusive. Based on the available evidence, the clinical significance of this variant remains unclear.

NM_002439.5(MSH3):c.1020T>G (p.Ile340Met)

Genes: MSH3 (mutS homolog 3; plus strand), LOC126807437 (MED14-independent group 3 enhancer GRCh37_chr5:79968379-79969578; plus strand). Cytogenetic location: 5q14.1.
Variant type: single nucleotide variant.
Coding change: c.1020T>G on transcript NM_002439.5 (MANE Select); coding-DNA position 1020, T replaced by G.
Protein change: p.Ile340Met; replaces isoleucine 340 with methionine.
Molecular consequence: missense variant.
Genome position (GRCh38, 1-based): chr5:80,672,851, T>G. VCF-style: chr5-80672851-T-G. GRCh37 (hg19) VCF-style: chr5-79968670-T-G.
Other names: short protein forms I340M.
Identifiers: ClinVar variation 4826792 (VCV004826792.1).